The following is an entry in ClinVar:

ClinVar aggregate classification (germline): Benign/Likely benign. Review status: criteria provided, multiple submitters, no conflicts (2 of 4 stars). 3 submissions from 3 submitters: Benign (1); Likely benign (2). Last evaluated 2025-10-01.

Conditions:
Hereditary cancer-predisposing syndrome. Also called: Neoplastic Syndromes, Hereditary; Hereditary neoplastic syndrome; Tumor predisposition; Hereditary Cancer Syndrome. Identifiers: Orphanet 140162, MedGen C0027672, MeSH D009386, MONDO:0015356.
Hereditary diffuse gastric adenocarcinoma (HDGC). Also called: DIFFUSE GASTRIC AND LOBULAR BREAST CANCER SYNDROME. Identifiers: Orphanet 26106, MedGen C1708349, MONDO:0007648, OMIM 137215.

Submissions (3):

Labcorp Genetics (formerly Invitae), Labcorp
Classification: Likely benign. Last evaluated: 2025-10-01. Review status: criteria provided, single submitter. Criteria: Invitae Variant Classification Sherloc (09022015). Collection method: clinical testing. Allele origin: germline.

Myriad Genetics, Inc.
Classification: Benign for Hereditary diffuse gastric adenocarcinoma. Last evaluated: 2024-10-09. Review status: criteria provided, single submitter. Criteria: Myriad Autosomal Dominant, Autosomal Recessive and X-Linked Classification Criteria (2023). Collection method: clinical testing. Allele origin: unknown.
Comment: This variant is considered benign. This variant is a silent/synonymous amino acid change and it is not expected to impact splicing.

Ambry Genetics
Classification: Likely benign for Hereditary cancer-predisposing syndrome. Last evaluated: 2023-06-24. Review status: criteria provided, single submitter. Criteria: Ambry Variant Classification Scheme 2023. Collection method: clinical testing. Allele origin: germline.

NM_001903.5(CTNNA1):c.415C>T (p.Leu139=)

Gene: CTNNA1 (catenin alpha 1; plus strand). Cytogenetic location: 5q31.2.
Variant type: single nucleotide variant.
Coding change: c.415C>T on transcript NM_001903.5 (MANE Select); coding-DNA position 415, C replaced by T.
Protein change: p.Leu139=; no amino-acid change (leucine 139 retained).
Molecular consequence: synonymous variant.
Genome position (GRCh38, 1-based): chr5:138,810,151, C>T. VCF-style: chr5-138810151-C-T. GRCh37 (hg19) VCF-style: chr5-138145840-C-T.
Other names: c.415C>T (NM_001903.2); c.415C>T, p.Leu139= (NM_001290307.3, NM_001323982.2, NM_001323983.1 and 3 more transcripts); c.106C>T, p.Leu36= (NM_001290309.3); c.46C>T, p.Leu16= (NM_001290310.3).
Identifiers: ClinVar variation 1621179 (VCV001621179.10), dbSNP rs2149727408, ClinGen allele CA446591066.